The following is an entry in ClinVar:

ClinVar aggregate classification (germline): Uncertain significance. Review status: criteria provided, multiple submitters, no conflicts (2 of 4 stars). 6 submissions from 6 submitters: Uncertain significance (5). 1 of the submissions does not count toward it. Last evaluated 2025-11-30.

Conditions:
Hereditary cancer-predisposing syndrome. Also called: Hereditary neoplastic syndrome; Tumor predisposition; Neoplastic Syndromes, Hereditary; Hereditary Cancer Syndrome. Identifiers: Orphanet 140162, MedGen C0027672, MeSH D009386, MONDO:0015356.
Bloom syndrome (BLM). Also called: Bloom-Torre-Machacek syndrome. Identifiers: Orphanet 125, MedGen C0005859, MONDO:0008876, OMIM 210900.

Allele frequency attached by ClinVar (database versions not stated): gnomAD exomes 0.00001.
gnomAD v4.1: 10 of 1,614,114 alleles (0.00062%); highest among the groups gnomAD compares: Non-Finnish European, 0.00085%; no homozygotes.

Submissions (6):

Labcorp Genetics (formerly Invitae), Labcorp
Classification: Uncertain significance for Bloom syndrome. Last evaluated: 2025-11-30. Review status: criteria provided, single submitter. Criteria: Invitae Variant Classification Sherloc (09022015). Collection method: clinical testing. Allele origin: germline.
Comment: This sequence change replaces proline, which is neutral and non-polar, with leucine, which is neutral and non-polar, at codon 956 of the BLM protein (p.Pro956Leu). This variant is present in population databases (no rsID available, gnomAD 0.002%). This missense change has been observed in individual(s) with clinical features of BLM-related conditions (PMID: 34966786). ClinVar contains an entry for this variant (Variation ID: 571919). Invitae Evidence Modeling of protein sequence and biophysical properties (such as structural, functional, and spatial information, amino acid conservation, physicochemical variation, residue mobility, and thermodynamic stability) indicates that this missense variant is expected to disrupt BLM protein function with a positive predictive value of 80%. In summary, the available evidence is currently insufficient to determine the role of this variant in disease. Therefore, it has been classified as a Variant of Uncertain Significance.

Ambry Genetics
Classification: Uncertain significance for Hereditary cancer-predisposing syndrome. Last evaluated: 2025-08-30. Review status: criteria provided, single submitter. Criteria: Ambry Variant Classification Scheme 2023. Collection method: clinical testing. Allele origin: germline.
Comment: The p.P956L variant (also known as c.2867C>T), located in coding exon 14 of the BLM gene, results from a C to T substitution at nucleotide position 2867. The proline at codon 956 is replaced by leucine, an amino acid with similar properties. This alteration has been reported in 1/1197 individuals from Greece, Romania, and Turkey undergoing evaluation for inherited cancer predisposition (Tsaousis GN et al. BMC Cancer, 2019 Jun;19:535). This amino acid position is highly conserved in available vertebrate species. In addition, this alteration is predicted to be deleterious by in silico analysis. Since supporting evidence is limited at this time, the clinical significance of this alteration remains unclear.

Women's Health and Genetics/Laboratory Corporation of America, LabCorp
Classification: Uncertain significance. Last evaluated: 2024-11-07. Review status: criteria provided, single submitter. Criteria: LabCorp Variant Classification Summary - May 2015. Collection method: clinical testing. Allele origin: germline.
Comment: Variant summary: BLM c.2867C>T (p.Pro956Leu) results in a non-conservative amino acid change located in the P-loop containing nucleotide triphosphate hydrolases domain (IPR027417) of the encoded protein sequence. Four of five in-silico tools predict a damaging effect of the variant on protein function. The variant allele was found at a frequency of 8e-06 in 251432 control chromosomes (gnomAD). The available data on variant occurrences in the general population are insufficient to allow any conclusion about variant significance. c.2867C>T has been reported in the literature in one individual affected with hereditary cancer predisposition syndrome (Tsaousis_2019). The report does not provide unequivocal conclusions about association of the variant with Bloom Syndrome. To our knowledge, no experimental evidence demonstrating an impact on protein function has been reported. The following publications have been ascertained in the context of this evaluation (PMID: 31159747, 34966786). ClinVar contains an entry for this variant (Variation ID: 571919). Based on the evidence outlined above, the variant was classified as uncertain significance.

Quest Diagnostics Nichols Institute San Juan Capistrano
Classification: Uncertain significance. Last evaluated: 2023-06-02. Review status: criteria provided, single submitter. Criteria: Quest Diagnostics criteria. Collection method: clinical testing. Allele origin: unknown.
Comment: This variant has been reported in the published literature in an individual with personal or family history of breast/ovarian cancer (PMID: 31159747 (2019)). The frequency of this variant in the general population, 0.000008 (2/251432 chromosomes (Genome Aggregation Database)), is uninformative in the assessment of its pathogenicity. Analysis of this variant using bioinformatics tools for the prediction of the effect of amino acid changes on protein structure and function yielded predictions that this variant is damaging. Based on the available information, we are unable to determine the clinical significance of this variant.

GeneKor MSA
Classification: Uncertain significance for Hereditary cancer-predisposing syndrome. Last evaluated: 2018-08-01. Review status: criteria provided, single submitter. Criteria: ACMG Guidelines, 2015. Collection method: clinical testing. Allele origin: germline. Affected: yes.

Natera, Inc.
Classification: Uncertain significance for Bloom syndrome. Last evaluated: 2019-02-14. Review status: no assertion criteria provided. Collection method: clinical testing. Allele origin: germline. Not counted in ClinVar's aggregate classification.

Literature cited by the submitters: PubMed 34966786 (cited by Labcorp Genetics (formerly Invitae), Labcorp and Women's Health and Genetics/Laboratory Corporation of America, LabCorp); PubMed 31159747 (cited by 3 submitters).

NM_000057.4(BLM):c.2867C>T (p.Pro956Leu)

Gene: BLM (BLM RecQ like helicase; plus strand). Cytogenetic location: 15q26.1.
Variant type: single nucleotide variant.
Coding change: c.2867C>T on transcript NM_000057.4 (MANE Select); coding-DNA position 2867, C replaced by T.
Protein change: p.Pro956Leu; replaces proline 956 with leucine.
Molecular consequence: missense variant.
Genome position (GRCh38, 1-based): chr15:90,790,692, C>T. VCF-style: chr15-90790692-C-T. GRCh37 (hg19) VCF-style: chr15-91333922-C-T.
Other names: c.2867C>T, p.Pro956Leu (NM_001287246.2, NM_001287247.2); c.1742C>T, p.Pro581Leu (NM_001287248.2); c.2867C>T (NM_000057.2); short protein forms P956L, P581L.
Identifiers: ClinVar variation 571919 (VCV000571919.19), dbSNP rs962069708, ClinGen allele CA274764598.